The following is an entry in ClinVar:

ClinVar aggregate classification (germline): Uncertain significance (1 of 4 stars; one submission).

Conditions:
Autosomal dominant nocturnal frontal lobe epilepsy 5. Also called: Epilepsy, nocturnal frontal lobe, 5; CILIARY DYSKINESIA, PRIMARY, 28, WITHOUT SITUS INVERSUS; CILIARY DYSKINESIA, PRIMARY, 28, WITH SITUS INVERSUS; KCNT1-Related Epilepsy. Identifiers: Orphanet 98784, MedGen C3554306, MONDO:0014002, OMIM 615005.
Developmental and epileptic encephalopathy, 14 (DEE14). Also called: Early infantile epileptic encephalopathy 14. Identifiers: Orphanet 293181, MedGen C3554195, MONDO:0013989, OMIM 614959.

Submission:

Labcorp Genetics (formerly Invitae), Labcorp
Classification: Uncertain significance for Autosomal dominant nocturnal frontal lobe epilepsy 5; Developmental and epileptic encephalopathy, 14. Last evaluated: 2023-06-20. Review status: criteria provided, single submitter. Criteria: Invitae Variant Classification Sherloc (09022015). Collection method: clinical testing. Allele origin: germline.
Comment: This sequence change replaces serine, which is neutral and polar, with proline, which is neutral and non-polar, at codon 1060 of the KCNT1 protein (p.Ser1060Pro). This variant is not present in population databases (gnomAD no frequency). This variant has not been reported in the literature in individuals affected with KCNT1-related conditions. An algorithm developed to predict the effect of missense changes on protein structure and function (PolyPhen-2) suggests that this variant is likely to be tolerated. In summary, the available evidence is currently insufficient to determine the role of this variant in disease. Therefore, it has been classified as a Variant of Uncertain Significance.

NM_020822.3(KCNT1):c.3178T>C (p.Ser1060Pro)

Gene: KCNT1 (potassium sodium-activated channel subfamily T member 1; plus strand). Cytogenetic location: 9q34.3.
Variant type: single nucleotide variant.
Coding change: c.3178T>C on transcript NM_020822.3 (MANE Select); coding-DNA position 3178, T replaced by C.
Protein change: p.Ser1060Pro; replaces serine 1060 with proline.
Molecular consequence: missense variant.
Genome position (GRCh38, 1-based): chr9:135,786,197, T>C. VCF-style: chr9-135786197-T-C. GRCh37 (hg19) VCF-style: chr9-138678043-T-C.
Other names: c.3043T>C, p.Ser1015Pro (NM_001272003.2); short protein forms S1015P, S1060P.
Identifiers: ClinVar variation 2944978 (VCV002944978.3), dbSNP rs2491103773, ClinGen allele CA375491403.